The following is an entry in ClinVar:

NM_015166.4(MLC1):c.1052_1053insGGGGGAGGTGAGTGGCCTGTGGGGTGGGGGTGC (p.Val354_Ala355insSerGlyLeuTrpGlyGlyGlyAlaGlyGluVal)

Gene: MLC1 (modulator of VRAC current 1; minus strand). Cytogenetic location: 22q13.33.
Variant type: Insertion.
Coding change: c.1052_1053insGGGGGAGGTGAGTGGCCTGTGGGGTGGGGGTGC on transcript NM_015166.4 (MANE Select); coding-DNA positions 1052 to 1053, GGGGGAGGTGAGTGGCCTGTGGGGTGGGGGTGC inserted.
Protein change: p.Val354_Ala355insSerGlyLeuTrpGlyGlyGlyAlaGlyGluVal.
Molecular consequence: inframe insertion. On other transcripts: non-coding transcript variant (3).
Genome position: GRCh38: chr22:50,064,042-50,064,043. GRCh37 (hg19): chr22:50,502,471-50,502,472.
Other names: c.1052_1053insGGGGGAGGTGAGTGGCCTGTGGGGTGGGGGTGC, p.Val354_Ala355insSerGlyLeuTrpGlyGlyGlyAlaGlyGluVal (NM_001376472.1, NM_001376473.1, NM_001376474.1 and 5 more transcripts); c.995_996insGGGGGAGGTGAGTGGCCTGTGGGGTGGGGGTGC, p.Val335_Ala336insSerGlyLeuTrpGlyGlyGlyAlaGlyGluVal (NM_001376479.1); c.962_963insGGGGGAGGTGAGTGGCCTGTGGGGTGGGGGTGC, p.Val324_Ala325insSerGlyLeuTrpGlyGlyGlyAlaGlyGluVal (NM_001376480.1); c.950_951insGGGGGAGGTGAGTGGCCTGTGGGGTGGGGGTGC, p.Val320_Ala321insSerGlyLeuTrpGlyGlyGlyAlaGlyGluVal (NM_001376481.1); c.896_897insGGGGGAGGTGAGTGGCCTGTGGGGTGGGGGTGC, p.Val302_Ala303insSerGlyLeuTrpGlyGlyGlyAlaGlyGluVal (NM_001376482.1, NM_001376483.1); c.815_816insGGGGGAGGTGAGTGGCCTGTGGGGTGGGGGTGC, p.Val275_Ala276insSerGlyLeuTrpGlyGlyGlyAlaGlyGluVal (NM_001376484.1).
Identifiers: ClinVar variation 2171618 (VCV002171618.1), dbSNP rs745656804, ClinGen allele CA1026640244.
Genomic context (GRCh38, chr22:50,064,040, plus strand): 5'-ACCCCCGTGGGCCACTCACCTCCCCAGTGCCCCCTCCCCCTGCAGGCCACTCACCTCCCC[A>AGCACCCCCACCCCACAGGCCACTCACCTCCCCC]GCCAGGCGCTCCTGCGGGCCGTTCTGGGTGTCCCAGGATGCACCCTGCAGCCTTGCACTG-3'

ClinVar aggregate classification (germline): Uncertain significance (1 of 4 stars; one submission).

Submission:

Labcorp Genetics (formerly Invitae), Labcorp
Classification: Uncertain significance. Last evaluated: 2022-08-04. Review status: criteria provided, single submitter. Criteria: Invitae Variant Classification Sherloc (09022015). Collection method: clinical testing. Allele origin: germline.
Comment: This variant, c.1052_1053insGGGGGAGGTGAGTGGCCTGTGGGGTGGGGGTGC, results in the insertion of 11 amino acid(s) of the MLC1 protein (p.Val354_Ala355insSerGlyLeuTrpGlyGlyGlyAlaGlyGluVal), but otherwise preserves the integrity of the reading frame. This variant is not present in population databases (gnomAD no frequency). This variant has not been reported in the literature in individuals affected with MLC1-related conditions. Algorithms developed to predict the effect of sequence changes on RNA splicing suggest that this variant may disrupt the consensus splice site. In summary, the available evidence is currently insufficient to determine the role of this variant in disease. Therefore, it has been classified as a Variant of Uncertain Significance.